The following is an entry in ClinVar:

NM_003458.4(BSN):c.2192T>C (p.Met731Thr)

Gene: BSN (bassoon presynaptic cytomatrix protein; plus strand). Cytogenetic location: 3p21.31.
Variant type: single nucleotide variant.
Coding change: c.2192T>C on transcript NM_003458.4 (MANE Select); coding-DNA position 2192, T replaced by C.
Protein change: p.Met731Thr; replaces methionine 731 with threonine.
Molecular consequence: missense variant.
Genome position (GRCh38, 1-based): chr3:49,651,748, T>C. VCF-style: chr3-49651748-T-C. GRCh37 (hg19) VCF-style: chr3-49689181-T-C.
Other names: short protein forms M731T.
Identifiers: ClinVar variation 3900302 (VCV003900302.1).
Genomic context (GRCh38, chr3:49,651,748, plus strand): 5'-CAGGGGTGACAGGGCCACATCCACCCAGCCCCTCCGAGATCCACAAGGTGGGGAGCAGCA[T>C]GCGGCCTTTGCTGCAGGCCCAGGGCCTGGCCCCAAGTGAGCGGAGCAAGCCACTCTCCAG-3'
Protein context (NP_003449.2, residues 721-741): PSEIHKVGSS[Met731Thr]RPLLQAQGLA

ClinVar aggregate classification (germline): Uncertain significance (1 of 4 stars; one submission).

gnomAD v4.1: 8 of 1,612,732 alleles (0.0005%); highest among the groups gnomAD compares: Middle Eastern, 0.017%; no homozygotes.

Submission:

GeneDx
Classification: Uncertain significance. Last evaluated: 2023-07-21. Review status: criteria provided, single submitter. Criteria: GeneDx Variant Classification Process June 2021. Collection method: clinical testing. Allele origin: germline. Affected: yes.
Comment: In silico analysis supports that this missense variant has a deleterious effect on protein structure/function; Has not been previously published as pathogenic or benign to our knowledge; Variants in candidate genes are classified as variants of uncertain significance in accordance with ACMG guidelines (Richards et al., 2015)